The following is an entry in ClinVar:

ClinVar aggregate classification (germline): Pathogenic (1 of 4 stars; one submission).

Conditions:
Neurofibromatosis, type 1 (NF1). Also called: VON RECKLINGHAUSEN DISEASE; Peripheral type neurofibromatosis; NEUROFIBROMATOSIS, TYPE I, SOMATIC; Neurofibromatosis, type I. Identifiers: Orphanet 636, MedGen C0027831, MONDO:0018975, OMIM 162200. Disease mechanism: loss of function.

Submission:

Labcorp Genetics (formerly Invitae), Labcorp
Classification: Pathogenic for Neurofibromatosis, type 1. Last evaluated: 2024-02-17. Review status: criteria provided, single submitter. Criteria: Invitae Variant Classification Sherloc (09022015). Collection method: clinical testing. Allele origin: germline.
Comment: This sequence change creates a premature translational stop signal (p.Ala545Glufs*11) in the NF1 gene. It is expected to result in an absent or disrupted protein product. Loss-of-function variants in NF1 are known to be pathogenic (PMID: 10712197, 23913538). This variant is not present in population databases (gnomAD no frequency). This variant has not been reported in the literature in individuals affected with NF1-related conditions. For these reasons, this variant has been classified as Pathogenic.

Literature cited by the submitters: PubMed 10712197; PubMed 23913538.

NM_001042492.3(NF1):c.1634del (p.Ala545fs)

Gene: NF1 (neurofibromin 1; plus strand). Cytogenetic location: 17q11.2.
Variant type: Deletion.
Coding change: c.1634del on transcript NM_001042492.3 (MANE Select); coding-DNA position 1634, one base deleted (C; older notation c.1634delC).
Protein change: p.Ala545fs; shifts the reading frame from alanine 545.
Molecular consequence: frameshift variant.
Genome position (GRCh38, 1-based): chr17:31,219,111, C deleted. VCF-style (leftmost placement, unchanged base first): chr17-31219110-GC-G. GRCh37 (hg19) VCF-style: chr17-29546128-GC-G.
Other names: c.1634delC, p.Ala545Glufs (NM_000267.4); c.1634del, p.Ala545fs (NM_001128147.3); short protein forms A545fs.
Identifiers: ClinVar variation 3639819 (VCV003639819.2).